The following is an entry in ClinVar:

NM_004958.4(MTOR):c.7629T>C (p.Ile2543=)

Gene: MTOR (mechanistic target of rapamycin kinase; minus strand). Cytogenetic location: 1p36.22.
Variant type: single nucleotide variant.
Coding change: c.7629T>C on transcript NM_004958.4 (MANE Select); coding-DNA position 7629, T replaced by C.
Protein change: p.Ile2543=; no amino-acid change (isoleucine 2543 retained).
Molecular consequence: synonymous variant.
Genome position (GRCh38, 1-based): chr1:11,108,186, A>G on the plus strand (T>C on the coding strand, the complement: MTOR is on the minus strand). VCF-style: chr1-11108186-A-G. GRCh37 (hg19) VCF-style: chr1-11168243-A-G.
Other names: c.7629T>C, p.Ile2543= (NM_001386500.1); c.6381T>C, p.Ile2127= (NM_001386501.1).
Identifiers: ClinVar variation 1976892 (VCV001976892.6), dbSNP rs2521990370, ClinGen allele CA415916203.

ClinVar aggregate classification (germline): Likely benign. Review status: criteria provided, multiple submitters, no conflicts (2 of 4 stars). 2 submissions from 2 submitters: Likely benign (2). Last evaluated 2026-09-01.

gnomAD v4.1: 2 of 1,613,448 alleles (0.00012%); highest among the groups gnomAD compares: Middle Eastern, 0.033%; no homozygotes.

Submissions (2):

CeGaT Center for Human Genetics Tuebingen
Classification: Likely benign. Last evaluated: 2026-09-01. Review status: criteria provided, single submitter. Criteria: CeGaT Center For Human Genetics Tuebingen Variant Classification Criteria Version 2. Collection method: clinical testing. Allele origin: germline. Affected: yes. Observed: 1 variant allele.
Comment: MTOR: BP4, BP7

Labcorp Genetics (formerly Invitae), Labcorp
Classification: Likely benign. Last evaluated: 2023-07-15. Review status: criteria provided, single submitter. Criteria: Invitae Variant Classification Sherloc (09022015). Collection method: clinical testing. Allele origin: germline.